The following is an entry in ClinVar:

NM_182643.3(DLC1):c.787A>C (p.Thr263Pro)

Gene: DLC1 (DLC1 Rho GTPase activating protein; minus strand). Cytogenetic location: 8p22.
Variant type: single nucleotide variant.
Coding change: c.787A>C on transcript NM_182643.3 (MANE Select); coding-DNA position 787, A replaced by C.
Protein change: p.Thr263Pro; replaces threonine 263 with proline.
Molecular consequence: missense variant. On other transcripts: 5 prime UTR variant (1).
Genome position (GRCh38, 1-based): chr8:13,499,285, T>G on the plus strand (A>C on the coding strand, the complement: DLC1 is on the minus strand). VCF-style: chr8-13499285-T-G. GRCh37 (hg19) VCF-style: chr8-13356794-T-G.
Other names: c.787A>C, p.Thr263Pro (NM_001348081.2, NM_001413124.1, NM_001413125.1 and 1 more transcripts); c.-665A>C (NM_001348082.2); short protein forms T263P.
Identifiers: ClinVar variation 2143495 (VCV002143495.4), dbSNP rs111395470, ClinGen allele CA4639400.

ClinVar aggregate classification (germline): Uncertain significance (1 of 4 stars; one submission).

Allele frequency attached by ClinVar (database versions not stated): ExAC 0.00002; gnomAD exomes 0.00002; TOPMed 0.00005; gnomAD 0.00012; 1000 Genomes Project 30x 0.00016; 1000 Genomes Project 0.00020.
gnomAD v4.1: 85 of 1,614,144 alleles (0.0053%); highest among the groups gnomAD compares: African/African-American, 0.06%; 3 homozygotes.

Submission:

Labcorp Genetics (formerly Invitae), Labcorp
Classification: Uncertain significance. Last evaluated: 2022-08-06. Review status: criteria provided, single submitter. Criteria: Invitae Variant Classification Sherloc (09022015). Collection method: clinical testing. Allele origin: germline.
Comment: In summary, the available evidence is currently insufficient to determine the role of this variant in disease. Therefore, it has been classified as a Variant of Uncertain Significance. Algorithms developed to predict the effect of missense changes on protein structure and function output the following: SIFT: "Deleterious"; PolyPhen-2: "Benign"; Align-GVGD: "Class C0". The proline amino acid residue is found in multiple mammalian species, which suggests that this missense change does not adversely affect protein function. This variant has not been reported in the literature in individuals affected with DLC1-related conditions. This variant is present in population databases (rs111395470, gnomAD 0.03%). This sequence change replaces threonine, which is neutral and polar, with proline, which is neutral and non-polar, at codon 263 of the DLC1 protein (p.Thr263Pro).